The following is an entry in ClinVar:

ClinVar aggregate classification (germline): Uncertain significance (1 of 4 stars; one submission).

Conditions:
Ataxia-telangiectasia syndrome (AT). Also called: ATAXIA-TELANGIECTASIA, COMPLEMENTATION GROUP A; ATAXIA-TELANGIECTASIA, FRESNO VARIANT; Ataxia-telangiectasia, complementation group E; Cerebello-oculocutaneous telangiectasia; Immunodeficiency with ataxia telangiectasia; Ataxia telangiectasia (A-T). Identifiers: Orphanet 100, MedGen C0004135, MONDO:0008840, OMIM 208900.

Allele frequency attached by ClinVar (database versions not stated): gnomAD exomes below 0.00001.
gnomAD v4.1: 1 of 1,604,680 alleles (0.000062%); highest among the groups gnomAD compares: Non-Finnish European, 0.000085%; no homozygotes.

Submission:

Labcorp Genetics (formerly Invitae), Labcorp
Classification: Uncertain significance for Ataxia-telangiectasia syndrome. Last evaluated: 2024-01-18. Review status: criteria provided, single submitter. Criteria: Invitae Variant Classification Sherloc (09022015). Collection method: clinical testing. Allele origin: germline.
Comment: This sequence change replaces arginine, which is basic and polar, with serine, which is neutral and polar, at codon 1132 of the ATM protein (p.Arg1132Ser). This variant is not present in population databases (gnomAD no frequency). This variant has not been reported in the literature in individuals affected with ATM-related conditions. ClinVar contains an entry for this variant (Variation ID: 1919169). An algorithm developed to predict the effect of missense changes on protein structure and function (PolyPhen-2) suggests that this variant is likely to be tolerated. In summary, the available evidence is currently insufficient to determine the role of this variant in disease. Therefore, it has been classified as a Variant of Uncertain Significance.

NM_000051.4(ATM):c.3396A>T (p.Arg1132Ser)

Gene: ATM (ATM serine/threonine kinase; plus strand). Cytogenetic location: 11q22.3.
Variant type: single nucleotide variant.
Coding change: c.3396A>T on transcript NM_000051.4 (MANE Select); coding-DNA position 3396, A replaced by T.
Protein change: p.Arg1132Ser; replaces arginine 1132 with serine.
Molecular consequence: missense variant.
Genome position (GRCh38, 1-based): chr11:108,279,602, A>T. VCF-style: chr11-108279602-A-T. GRCh37 (hg19) VCF-style: chr11-108150329-A-T.
Other names: c.3396A>T, p.Arg1132Ser (NM_001351834.2); short protein forms R1132S.
Identifiers: ClinVar variation 1919169 (VCV001919169.5), dbSNP rs2546863018, ClinGen allele CA382517848.